The following is an entry in ClinVar:

NM_080732.4(EGLN2):c.1097C>T (p.Thr366Ile)

Genes: EGLN2 (egl-9 family hypoxia inducible factor 2; plus strand), RAB4B-EGLN2 (RAB4B-EGLN2 readthrough (NMD candidate); plus strand). Cytogenetic location: 19q13.2.
Variant type: single nucleotide variant.
Coding change: c.1097C>T on transcript NM_080732.4 (MANE Select); coding-DNA position 1097, C replaced by T.
Protein change: p.Thr366Ile; replaces threonine 366 with isoleucine.
Molecular consequence: missense variant. On other transcripts: non-coding transcript variant (1).
Genome position (GRCh38, 1-based): chr19:40,807,271, C>T. VCF-style: chr19-40807271-C-T. GRCh37 (hg19) VCF-style: chr19-41313176-C-T.
Other names: c.1097C>T, p.Thr366Ile (NM_053046.4); short protein forms T366I.
Identifiers: ClinVar variation 1790951 (VCV001790951.2), dbSNP rs1201871996, ClinGen allele CA405956676.

ClinVar aggregate classification (germline): Uncertain significance (1 of 4 stars; one submission).

gnomAD v4.1: 4 of 1,614,138 alleles (0.00025%); highest among the groups gnomAD compares: East Asian, 0.0022%; no homozygotes.

Submission:

Ambry Genetics
Classification: Uncertain significance. Last evaluated: 2024-02-10. Review status: criteria provided, single submitter. Criteria: Ambry Variant Classification Scheme 2023. Collection method: clinical testing. Allele origin: germline.
Comment: The p.T366I variant (also known as c.1097C>T), located in coding exon 3 of the EGLN2 gene, results from a C to T substitution at nucleotide position 1097. The threonine at codon 366 is replaced by isoleucine, an amino acid with similar properties. This amino acid position is conserved. In addition, this alteration is predicted to be deleterious by in silico analysis. Since supporting evidence is limited at this time, the clinical significance of this alteration remains unclear.